The following is an entry in ClinVar:

NM_001281775.3(ZMYND8):c.3212A>G (p.Gln1071Arg)

Gene: ZMYND8 (zinc finger MYND-type containing 8; minus strand). Cytogenetic location: 20q13.12.
Variant type: single nucleotide variant.
Coding change: c.3212A>G on transcript NM_001281775.3 (MANE Select); coding-DNA position 3212, A replaced by G.
Protein change: p.Gln1071Arg; replaces glutamine 1071 with arginine.
Molecular consequence: missense variant.
Genome position (GRCh38, 1-based): chr20:47,224,361, T>C on the plus strand (A>G on the coding strand, the complement: ZMYND8 is on the minus strand). VCF-style: chr20-47224361-T-C. GRCh37 (hg19) VCF-style: chr20-45853014-T-C.
Other names: c.2756A>G, p.Gln919Arg (NM_001281771.3); c.3152A>G, p.Gln1051Arg (NM_001281772.3, NM_001281773.3, NM_001363741.2); c.3014A>G, p.Gln1005Arg (NM_001281774.3); c.2831A>G, p.Gln944Arg (NM_001281776.3); c.2999A>G, p.Gln1000Arg (NM_001281777.3, NM_183048.4); c.3137A>G, p.Gln1046Arg (NM_001281778.3); c.2270A>G, p.Gln757Arg (NM_001281779.3, NM_001281780.3); c.2858A>G, p.Gln953Arg (NM_001281781.3); and 5 more; short protein forms Q1078R, Q944R, Q999R, Q1071R, Q1005R, Q757R, Q1000R, Q1025R.
Identifiers: ClinVar variation 4830296 (VCV004830296.1).

ClinVar aggregate classification (germline): Likely pathogenic (1 of 4 stars; one submission).

Submission:

Ambry Genetics
Classification: Likely pathogenic. Last evaluated: 2026-01-02. Review status: criteria provided, single submitter. Criteria: Ambry Variant Classification Scheme 2023. Collection method: clinical testing. Allele origin: germline.
Comment: The c.3074A>G (p.Q1025R) alteration is located in coding exon 19 of the ZMYND8 gene. This alteration results from a A to G substitution at nucleotide position 3074, causing the glutamine (Q) at amino acid position 1025 to be replaced by an arginine (R). This variant was not reported in population-based cohorts in the Genome Aggregation Database (gnomAD). This amino acid position is highly conserved in available vertebrate species. This missense alteration is located in a region that has a low rate of benign missense variation (Lek, 2016; Firth, 2009). This alteration is predicted to be deleterious by in silico analysis. Based on the available evidence, this alteration is classified as likely pathogenic.